The following is an entry in ClinVar:

ClinVar aggregate classification (germline): Uncertain significance (1 of 4 stars; one submission).

Allele frequency attached by ClinVar (database versions not stated): gnomAD exomes 0.00001; gnomAD 0.00002.
gnomAD v4.1: 18 of 1,551,974 alleles (0.0012%); highest among the groups gnomAD compares: East Asian, 0.029%; no homozygotes.

Submission:

Labcorp Genetics (formerly Invitae), Labcorp
Classification: Uncertain significance. Last evaluated: 2021-10-14. Review status: criteria provided, single submitter. Criteria: Invitae Variant Classification Sherloc (09022015). Collection method: clinical testing. Allele origin: germline.
Comment: This sequence change replaces proline with threonine at codon 1058 of the LOXHD1 protein (p.Pro1058Thr). The proline residue is weakly conserved and there is a small physicochemical difference between proline and threonine. This variant is not present in population databases (ExAC no frequency). This variant has not been reported in the literature in individuals affected with LOXHD1-related conditions. Algorithms developed to predict the effect of missense changes on protein structure and function (SIFT, PolyPhen-2, Align-GVGD) all suggest that this variant is likely to be tolerated. In summary, the available evidence is currently insufficient to determine the role of this variant in disease. Therefore, it has been classified as a Variant of Uncertain Significance.

NM_001384474.1(LOXHD1):c.3172C>A (p.Pro1058Thr)

Gene: LOXHD1 (lipoxygenase homology PLAT domains 1; minus strand). Cytogenetic location: 18q21.1.
Variant type: single nucleotide variant.
Coding change: c.3172C>A on transcript NM_001384474.1 (MANE Select); coding-DNA position 3172, C replaced by A.
Protein change: p.Pro1058Thr; replaces proline 1058 with threonine.
Molecular consequence: missense variant.
Genome position (GRCh38, 1-based): chr18:46,559,492, G>T on the plus strand (C>A on the coding strand, the complement: LOXHD1 is on the minus strand). VCF-style: chr18-46559492-G-T. GRCh37 (hg19) VCF-style: chr18-44139455-G-T.
Other names: c.3172C>A, p.Pro1058Thr (NM_144612.7); short protein forms P1058T.
Identifiers: ClinVar variation 2199023 (VCV002199023.1), dbSNP rs1216851069, ClinGen allele CA402369123.